The following is an entry in ClinVar:

ClinVar aggregate classification (germline): Uncertain significance (1 of 4 stars; one submission).

Submission:

Women's Health and Genetics/Laboratory Corporation of America, LabCorp
Classification: Uncertain significance. Last evaluated: 2023-11-02. Review status: criteria provided, single submitter. Criteria: LabCorp Variant Classification Summary - May 2015. Collection method: clinical testing. Allele origin: germline.
Comment: Variant summary: The variant involves the duplication of exon 9 in the CFTR gene. A presumed nomenclature of c.(1116+1_1117-1)_(1209+1_1210-1)dup has been designated for the purposes of this classification. It is assumed to be a tandem duplication in direct orientation (Richardson_GIM_2018, Newman_AJHG_2015). This Copy Number Variant (CNV) is predicted to result in an in-frame duplication within this gene. The variant was absent in 21694 control chromosomes. The available data on variant occurrences in the general population are insufficient to allow any conclusion about variant significance. To our knowledge, no occurrence of c.(1116+1_1117-1)_(1209+1_1210-1)dup in individuals affected with Cystic Fibrosis and no experimental evidence demonstrating its impact on protein function have been reported. No submitters have cited clinical-significance assessments for this variant to ClinVar after 2014. Based on the evidence outlined above, the variant was classified as uncertain significance.

NC_000007.13:g.(117180401_117182069)_(117182163_117188694)dup

Gene: CFTR (CF transmembrane conductance regulator; plus strand). Cytogenetic location: 7q31.2.
Variant type: Duplication.
Identifiers: ClinVar variation 2682481 (VCV002682481.1).